The following is an entry in ClinVar:

NM_001283009.2(RTEL1):c.2971_2972delinsAG (p.Gln991Arg)

Genes: RTEL1 (regulator of telomere elongation helicase 1; plus strand), RTEL1-TNFRSF6B (RTEL1-TNFRSF6B readthrough (NMD candidate); plus strand). Cytogenetic location: 20q13.33.
Variant type: Indel.
Coding change: c.2971_2972delinsAG on transcript NM_001283009.2 (MANE Select); coding-DNA positions 2971 to 2972, CA replaced by AG.
Protein change: p.Gln991Arg; replaces glutamine 991 with arginine.
Molecular consequence: missense variant. On other transcripts: non-coding transcript variant (1).
Genome position (GRCh38, 1-based): chr20:63,693,262-63,693,263, CA replaced by AG. VCF-style: chr20-63693262-CA-AG. GRCh37 (hg19) VCF-style: chr20-62324615-CA-AG.
Other names: c.2302_2303delinsAG, p.Gln768Arg (NM_001283010.1); c.2971_2972delinsAG, p.Gln991Arg (NM_016434.4); c.3043_3044delinsAG, p.Gln1015Arg (NM_032957.5); short protein forms Q1015R, Q991R, Q768R.
Identifiers: ClinVar variation 2158068 (VCV002158068.4), dbSNP rs2517170419, ClinGen allele CA2580098511.

ClinVar aggregate classification (germline): Uncertain significance (1 of 4 stars; one submission).

Conditions:
Pulmonary fibrosis and/or bone marrow failure, Telomere-related, 3. Also called: PULMONARY FIBROSIS AND/OR BONE MARROW FAILURE SYNDROME, TELOMERE-RELATED, 3. Identifiers: Orphanet 2032, MedGen C4225346, MONDO:0014613, OMIM 616373.
Dyskeratosis congenita, autosomal recessive 5 (DKCB5). Identifiers: MedGen C3554656, MONDO:0014076, OMIM 615190.

Submission:

Labcorp Genetics (formerly Invitae), Labcorp
Classification: Uncertain significance for Dyskeratosis congenita, autosomal recessive 5; Pulmonary fibrosis and/or bone marrow failure, Telomere-related, 3. Last evaluated: 2022-07-15. Review status: criteria provided, single submitter. Criteria: Invitae Variant Classification Sherloc (09022015). Collection method: clinical testing. Allele origin: germline.
Comment: In summary, the available evidence is currently insufficient to determine the role of this variant in disease. Therefore, it has been classified as a Variant of Uncertain Significance. Algorithms developed to predict the effect of missense changes on protein structure and function output the following: SIFT: "Not Available"; PolyPhen-2: "Benign"; Align-GVGD: "Not Available". The arginine amino acid residue is found in multiple mammalian species, which suggests that this missense change does not adversely affect protein function. This variant has not been reported in the literature in individuals affected with RTEL1-related conditions. Information on the frequency of this variant in the gnomAD database is not available, as this variant may be reported differently in the database. This sequence change replaces glutamine, which is neutral and polar, with arginine, which is basic and polar, at codon 991 of the RTEL1 protein (p.Gln991Arg).